The following is an entry in ClinVar:

ClinVar aggregate classification (germline): Uncertain significance (1 of 4 stars; one submission).

Conditions:
Inborn genetic diseases. Identifiers: MedGen C0950123, MeSH D030342.

Submission:

Ambry Genetics
Classification: Uncertain significance for Inborn genetic diseases. Last evaluated: 2025-02-16. Review status: criteria provided, single submitter. Criteria: Ambry Variant Classification Scheme 2023. Collection method: clinical testing. Allele origin: germline.
Comment: The p.V627L variant (also known as c.1879G>C), located in coding exon 1 of the SAMD9L gene, results from a G to C substitution at nucleotide position 1879. The valine at codon 627 is replaced by leucine, an amino acid with highly similar properties. This amino acid position is conserved. In addition, this alteration is predicted to be tolerated by in silico analysis. Based on the available evidence, the clinical significance of this variant remains unclear.

NM_152703.5(SAMD9L):c.1879G>C (p.Val627Leu)

Gene: SAMD9L (sterile alpha motif domain containing 9 like; minus strand). Cytogenetic location: 7q21.2.
Variant type: single nucleotide variant.
Coding change: c.1879G>C on transcript NM_152703.5 (MANE Select); coding-DNA position 1879, G replaced by C.
Protein change: p.Val627Leu; replaces valine 627 with leucine.
Molecular consequence: missense variant.
Genome position (GRCh38, 1-based): chr7:93,134,093, C>G on the plus strand (G>C on the coding strand, the complement: SAMD9L is on the minus strand). VCF-style: chr7-93134093-C-G. GRCh37 (hg19) VCF-style: chr7-92763406-C-G.
Other names: c.1879G>C, p.Val627Leu (NM_001303496.3, NM_001303497.3, NM_001303498.3 and 5 more transcripts); short protein forms V627L.
Identifiers: ClinVar variation 3792428 (VCV003792428.1).